The following is an entry in ClinVar:

ClinVar aggregate classification (germline): Uncertain significance. Review status: criteria provided, multiple submitters, no conflicts (2 of 4 stars). 2 submissions from 2 submitters: Uncertain significance (2). Last evaluated 2024-09-04.

Conditions:
3-Methylglutaconic aciduria type 2 (BTHS). Also called: Barth syndrome; CARDIOSKELETAL MYOPATHY WITH NEUTROPENIA AND ABNORMAL MITOCHONDRIA. Identifiers: Orphanet 111, MedGen C0574083, MONDO:0010543, OMIM 302060.

Allele frequency attached by ClinVar (database versions not stated): gnomAD exomes below 0.00001 and 0.00001; TOPMed below 0.00001; gnomAD 0.00001.
gnomAD v4.1: 2 of 1,197,315 alleles (0.00017%); highest among the groups gnomAD compares: Non-Finnish European, 0.00023%; no homozygotes.

Submissions (2):

Labcorp Genetics (formerly Invitae), Labcorp
Classification: Uncertain significance for 3-Methylglutaconic aciduria type 2. Last evaluated: 2024-09-04. Review status: criteria provided, single submitter. Criteria: Invitae Variant Classification Sherloc (09022015). Collection method: clinical testing. Allele origin: germline.
Comment: This sequence change falls in intron 5 of the TAZ gene. It does not directly change the encoded amino acid sequence of the TAZ protein. It affects a nucleotide within the consensus splice site. The frequency data for this variant in the population databases is considered unreliable, as metrics indicate poor data quality at this position in the gnomAD database. This variant has not been reported in the literature in individuals affected with TAZ-related conditions. ClinVar contains an entry for this variant (Variation ID: 946319). Variants that disrupt the consensus splice site are a relatively common cause of aberrant splicing (PMID: 17576681, 9536098). Algorithms developed to predict the effect of sequence changes on RNA splicing suggest that this variant may disrupt the consensus splice site. In summary, the available evidence is currently insufficient to determine the role of this variant in disease. Therefore, it has been classified as a Variant of Uncertain Significance.

GeneDx
Classification: Uncertain significance. Last evaluated: 2023-11-01. Review status: criteria provided, single submitter. Criteria: GeneDx Variant Classification Process June 2021. Collection method: clinical testing. Allele origin: germline. Affected: yes.
Comment: Has not been previously published as pathogenic or benign to our knowledge; In silico analysis is inconclusive as to whether the variant alters gene splicing. In the absence of RNA/functional studies, the actual effect of this sequence change is unknown.

Literature cited by the submitters: PubMed 17576681 (cited by Labcorp Genetics (formerly Invitae), Labcorp); PubMed 9536098 (cited by Labcorp Genetics (formerly Invitae), Labcorp).

NM_000116.5(TAFAZZIN):c.460+5G>A

Gene: TAFAZZIN (tafazzin, phospholipid-lysophospholipid transacylase; plus strand). Cytogenetic location: Xq28.
Variant type: single nucleotide variant.
Coding change: c.460+5G>A on transcript NM_000116.5 (MANE Select); 5 bases into the intron after coding-DNA position 460, G replaced by A.
Molecular consequence: intron variant.
Genome position (GRCh38, 1-based): chrX:154,414,195, G>A. VCF-style: chrX-154414195-G-A. GRCh37 (hg19) VCF-style: chrX-153642532-G-A.
Other names: c.514+5G>A (NM_001303465.2); c.460+5G>A (NM_181312.4); c.370+628G>A (NM_181311.4, NM_181313.4).
Identifiers: ClinVar variation 946319 (VCV000946319.7), dbSNP rs1325571965, ClinGen allele CA645173929.